The following is an entry in ClinVar:

ClinVar aggregate classification (germline): Likely benign (0 of 4 stars; one submission).

Conditions:
ITGA3-related disorder. Also called: ITGA3-related condition.

Allele frequency attached by ClinVar (database versions not stated): ExAC 0.00001; gnomAD exomes 0.00001; TOPMed 0.00002.
gnomAD v4.1: 8 of 1,613,918 alleles (0.0005%); highest among the groups gnomAD compares: Admixed American, 0.005%; no homozygotes.

Submission:

PreventionGenetics, part of Exact Sciences
Classification: Likely benign for ITGA3-related condition. Last evaluated: 2019-11-08. Review status: no assertion criteria provided. Collection method: clinical testing. Allele origin: germline.
Comment: This variant is classified as likely benign based on ACMG/AMP sequence variant interpretation guidelines (Richards et al. 2015 PMID: 25741868, with internal and published modifications).

NM_002204.4(ITGA3):c.885G>A (p.Arg295=)

Gene: ITGA3 (integrin subunit alpha 3; plus strand). Cytogenetic location: 17q21.33.
Variant type: single nucleotide variant.
Coding change: c.885G>A on transcript NM_002204.4 (MANE Select); coding-DNA position 885, G replaced by A.
Protein change: p.Arg295=; no amino-acid change (arginine 295 retained).
Molecular consequence: synonymous variant.
Genome position (GRCh38, 1-based): chr17:50,071,444, G>A. VCF-style: chr17-50071444-G-A. GRCh37 (hg19) VCF-style: chr17-48148808-G-A.
Identifiers: ClinVar variation 3045792 (VCV003045792.2), dbSNP rs764721144, ClinGen allele CA8641370.